The following is an entry in ClinVar:

ClinVar aggregate classification (germline): Uncertain significance (1 of 4 stars; one submission).

Allele frequency attached by ClinVar (database versions not stated): gnomAD exomes below 0.00001.
gnomAD v4.1: 1 of 1,611,282 alleles (0.000062%); highest among the groups gnomAD compares: South Asian, 0.0011%; no homozygotes.

Submission:

GeneDx
Classification: Uncertain significance. Last evaluated: 2022-04-05. Review status: criteria provided, single submitter. Criteria: GeneDx Variant Classification Process June 2021. Collection method: clinical testing. Allele origin: germline. Affected: yes.
Comment: Not observed at significant frequency in large population cohorts (gnomAD); In silico analysis supports that this missense variant does not alter protein structure/function; Has not been previously published as pathogenic or benign to our knowledge

NM_014991.6(WDFY3):c.4735A>G (p.Ser1579Gly)

Gene: WDFY3 (WD repeat and FYVE domain containing 3; minus strand). Cytogenetic location: 4q21.23.
Variant type: single nucleotide variant.
Coding change: c.4735A>G on transcript NM_014991.6 (MANE Select); coding-DNA position 4735, A replaced by G.
Protein change: p.Ser1579Gly; replaces serine 1579 with glycine.
Molecular consequence: missense variant.
Genome position (GRCh38, 1-based): chr4:84,774,839, T>C on the plus strand (A>G on the coding strand, the complement: WDFY3 is on the minus strand). VCF-style: chr4-84774839-T-C. GRCh37 (hg19) VCF-style: chr4-85695992-T-C.
Other names: short protein forms S1579G.
Identifiers: ClinVar variation 1708871 (VCV001708871.2), dbSNP rs2533129150, ClinGen allele CA357546938.